The following is an entry in ClinVar:

ClinVar aggregate classification (germline): Uncertain significance (1 of 4 stars; one submission).

Submission:

Labcorp Genetics (formerly Invitae), Labcorp
Classification: Uncertain significance. Last evaluated: 2024-04-30. Review status: criteria provided, single submitter. Criteria: Invitae Variant Classification Sherloc (09022015). Collection method: clinical testing. Allele origin: germline.
Comment: This sequence change replaces serine, which is neutral and polar, with arginine, which is basic and polar, at codon 1034 of the MECOM protein (p.Ser1034Arg). This variant is not present in population databases (gnomAD no frequency). This variant has not been reported in the literature in individuals affected with MECOM-related conditions. Experimental studies and prediction algorithms are not available or were not evaluated, and the functional significance of this variant is currently unknown. In summary, the available evidence is currently insufficient to determine the role of this variant in disease. Therefore, it has been classified as a Variant of Uncertain Significance.

NM_004991.4(MECOM):c.3666T>G (p.Ser1222Arg)

Gene: MECOM (MDS1 and EVI1 complex locus; minus strand). Cytogenetic location: 3q26.2.
Variant type: single nucleotide variant.
Coding change: c.3666T>G on transcript NM_004991.4 (MANE Select); coding-DNA position 3666, T replaced by G.
Protein change: p.Ser1222Arg; replaces serine 1222 with arginine.
Molecular consequence: missense variant.
Genome position (GRCh38, 1-based): chr3:169,084,963, A>C on the plus strand (T>G on the coding strand, the complement: MECOM is on the minus strand). VCF-style: chr3-169084963-A-C. GRCh37 (hg19) VCF-style: chr3-168802751-A-C.
Other names: c.3297T>G, p.Ser1099Arg (NM_001105077.4); c.3102T>G, p.Ser1034Arg (NM_001105078.4, NM_001205194.2, NM_001366469.2 and 1 more transcripts); c.3078T>G, p.Ser1026Arg (NM_001163999.2, NM_001366470.2); c.3075T>G, p.Ser1025Arg (NM_001164000.2, NM_001366471.2, NM_001366472.2); c.3639T>G, p.Ser1213Arg (NM_001366466.2); c.3105T>G, p.Ser1035Arg (NM_001366467.2, NM_001366468.2); c.2667T>G, p.Ser889Arg (NM_001366473.2); c.2103T>G, p.Ser701Arg (NM_001366474.2); short protein forms S1222R, S1035R, S1213R, S701R, S1025R, S1026R, S1034R, S1099R.
Identifiers: ClinVar variation 3650364 (VCV003650364.2).